The following is an entry in ClinVar:

NM_022772.4(EPS8L2):c.1031T>A (p.Val344Glu)

Gene: EPS8L2 (EPS8 signaling adaptor L2; plus strand). Cytogenetic location: 11p15.5.
Variant type: single nucleotide variant.
Coding change: c.1031T>A on transcript NM_022772.4 (MANE Select); coding-DNA position 1031, T replaced by A.
Protein change: p.Val344Glu; replaces valine 344 with glutamic acid.
Molecular consequence: missense variant.
Genome position (GRCh38, 1-based): chr11:722,137, T>A. VCF-style: chr11-722137-T-A. GRCh37 (hg19) VCF-style: chr11-722137-T-A.
Other names: short protein forms V344E.
Identifiers: ClinVar variation 1448514 (VCV001448514.6), dbSNP rs1162110790, ClinGen allele CA378970744.

ClinVar aggregate classification (germline): Uncertain significance (1 of 4 stars; one submission).

gnomAD v4.1: 2 of 1,612,842 alleles (0.00012%); highest among the groups gnomAD compares: Non-Finnish European, 0.00017%; no homozygotes.

Submission:

Labcorp Genetics (formerly Invitae), Labcorp
Classification: Uncertain significance. Last evaluated: 2022-06-27. Review status: criteria provided, single submitter. Criteria: Invitae Variant Classification Sherloc (09022015). Collection method: clinical testing. Allele origin: germline.
Comment: This variant has not been reported in the literature in individuals affected with EPS8L2-related conditions. This variant is not present in population databases (gnomAD no frequency). This sequence change replaces valine, which is neutral and non-polar, with glutamic acid, which is acidic and polar, at codon 344 of the EPS8L2 protein (p.Val344Glu). Algorithms developed to predict the effect of missense changes on protein structure and function are either unavailable or do not agree on the potential impact of this missense change (SIFT: "Deleterious"; PolyPhen-2: "Possibly Damaging"; Align-GVGD: "Class C0"). In summary, the available evidence is currently insufficient to determine the role of this variant in disease. Therefore, it has been classified as a Variant of Uncertain Significance.